The following is an entry in ClinVar:

ClinVar aggregate classification (germline): Uncertain significance. Review status: criteria provided, multiple submitters, no conflicts (2 of 4 stars). 3 submissions from 3 submitters: Uncertain significance (3). Last evaluated 2025-09-05.

Conditions:
Mitral valve prolapse, myxomatous 2. Also called: Mitral valve prolapse 2; MMVP2. Identifiers: MedGen C1843003, MONDO:0011915, OMIM 607829.
Inborn genetic diseases. Identifiers: MedGen C0950123, MeSH D030342.

Allele frequency attached by ClinVar (database versions not stated): gnomAD 0.00001; TOPMed 0.00002.
gnomAD v4.1: 4 of 1,613,652 alleles (0.00025%); highest among the groups gnomAD compares: African/African-American, 0.0053%; no homozygotes.

Submissions (3):

Ambry Genetics
Classification: Uncertain significance for Inborn genetic diseases. Last evaluated: 2025-09-05. Review status: criteria provided, single submitter. Criteria: Ambry Variant Classification Scheme 2023. Collection method: clinical testing. Allele origin: germline.

Labcorp Genetics (formerly Invitae), Labcorp
Classification: Uncertain significance. Last evaluated: 2024-05-23. Review status: criteria provided, single submitter. Criteria: Invitae Variant Classification Sherloc (09022015). Collection method: clinical testing. Allele origin: germline.
Comment: This sequence change replaces proline, which is neutral and non-polar, with histidine, which is basic and polar, at codon 481 of the DCHS1 protein (p.Pro481His). This variant is not present in population databases (gnomAD no frequency). This variant has not been reported in the literature in individuals affected with DCHS1-related conditions. ClinVar contains an entry for this variant (Variation ID: 1028152). Advanced modeling of protein sequence and biophysical properties (such as structural, functional, and spatial information, amino acid conservation, physicochemical variation, residue mobility, and thermodynamic stability) performed at Invitae indicates that this missense variant is not expected to disrupt DCHS1 protein function with a negative predictive value of 80%. In summary, the available evidence is currently insufficient to determine the role of this variant in disease. Therefore, it has been classified as a Variant of Uncertain Significance.

Baylor Genetics
Classification: Uncertain significance for Mitral valve prolapse, myxomatous 2. Last evaluated: 2020-01-21. Review status: criteria provided, single submitter. Criteria: ACMG Guidelines, 2015. Collection method: clinical testing. Allele origin: unknown. Affected: yes.
Comment: This variant was determined to be of uncertain significance according to ACMG Guidelines, 2015 [PMID:25741868].

NM_003737.4(DCHS1):c.1442C>A (p.Pro481His)

Gene: DCHS1 (dachsous cadherin-related 1; minus strand). Cytogenetic location: 11p15.4.
Variant type: single nucleotide variant.
Coding change: c.1442C>A on transcript NM_003737.4 (MANE Select); coding-DNA position 1442, C replaced by A.
Protein change: p.Pro481His; replaces proline 481 with histidine.
Molecular consequence: missense variant.
Genome position (GRCh38, 1-based): chr11:6,640,172, G>T on the plus strand (C>A on the coding strand, the complement: DCHS1 is on the minus strand). VCF-style: chr11-6640172-G-T. GRCh37 (hg19) VCF-style: chr11-6661403-G-T.
Other names: short protein forms P481H.
Identifiers: ClinVar variation 1028152 (VCV001028152.4), dbSNP rs1209666427, ClinGen allele CA379432116.